The following is an entry in ClinVar:

ClinVar aggregate classification (germline): Uncertain significance (1 of 4 stars; one submission).

Conditions:
Epidermolysis bullosa simplex with nail dystrophy (EBS5D). Identifiers: MedGen C4225309, MONDO:0014661, OMIM 616487.
Epidermolysis bullosa simplex, Ogna type (EBS5A). Also called: Pidermolysis bullosa simplex 5A, Ogna type; EPIDERMOLYSIS BULLOSA SIMPLEX 5A, OGNA TYPE. Identifiers: Orphanet 79401, MedGen C0432317, MONDO:0007555, OMIM 131950.
Autosomal recessive limb-girdle muscular dystrophy type 2Q (LGMDR17). Also called: MUSCULAR DYSTROPHY, LIMB-GIRDLE, AUTOSOMAL RECESSIVE 17. Identifiers: Orphanet 254361, MedGen C3150989, MONDO:0013390, OMIM 613723.
Epidermolysis bullosa simplex 5B, with muscular dystrophy (EBS5B). Also called: EPIDERMOLYSIS BULLOSA SIMPLEX AND LIMB-GIRDLE MUSCULAR DYSTROPHY; Epidermolysis bullosa simplex with muscular dystrophy. Identifiers: Orphanet 257, MedGen C2931072, MONDO:0009181, OMIM 226670.
Epidermolysis bullosa simplex 5C, with pyloric atresia (EBS5C). Also called: PLEC-Related Epidermolysis Bullosa with Pyloric Atresia; Epidermolysis bullosa simplex with pyloric atresia; PLEC1-Related Epidermolysis Bullosa with Pyloric Atresia. Identifiers: Orphanet 158684, MedGen C2677349, MONDO:0012807, OMIM 612138.

Submission:

Labcorp Genetics (formerly Invitae), Labcorp
Classification: Uncertain significance for Autosomal recessive limb-girdle muscular dystrophy type 2Q; Epidermolysis bullosa simplex, Ogna type; Epidermolysis bullosa simplex with nail dystrophy; Epidermolysis bullosa simplex 5C, with pyloric atresia; Epidermolysis bullosa simplex 5B, with muscular dystrophy. Last evaluated: 2023-08-11. Review status: criteria provided, single submitter. Criteria: Invitae Variant Classification Sherloc (09022015). Collection method: clinical testing. Allele origin: germline.
Comment: This variant is not present in population databases (gnomAD no frequency). This sequence change falls in intron 22 of the PLEC gene. It does not directly change the encoded amino acid sequence of the PLEC protein. It affects a nucleotide within the consensus splice site. This variant has not been reported in the literature in individuals affected with PLEC-related conditions. In summary, the available evidence is currently insufficient to determine the role of this variant in disease. Therefore, it has been classified as a Variant of Uncertain Significance. Variants that disrupt the consensus splice site are a relatively common cause of aberrant splicing (PMID: 17576681, 9536098). Algorithms developed to predict the effect of sequence changes on RNA splicing suggest that this variant is not likely to affect RNA splicing.

Literature cited by the submitters: PubMed 17576681; PubMed 9536098.

NM_201384.3(PLEC):c.2612+5G>C

Gene: PLEC (plectin; minus strand). Cytogenetic location: 8q24.3.
Variant type: single nucleotide variant.
Coding change: c.2612+5G>C on transcript NM_201384.3 (MANE Select); 5 bases into the intron after coding-DNA position 2612, G replaced by C.
Molecular consequence: intron variant.
Genome position (GRCh38, 1-based): chr8:143,930,139, C>G on the plus strand (G>C on the coding strand, the complement: PLEC is on the minus strand). VCF-style: chr8-143930139-C-G. GRCh37 (hg19) VCF-style: chr8-145004307-C-G.
Other names: c.2693+5G>C (NM_001410941.1, NM_000445.5); c.2570+5G>C (NM_201378.4); c.2546+5G>C (NM_201379.3); c.3023+5G>C (NM_201380.4); c.2516+5G>C (NM_201381.3); c.2612+5G>C (NM_201382.4); c.2624+5G>C (NM_201383.3).
Identifiers: ClinVar variation 2948741 (VCV002948741.3), dbSNP rs1161435701, ClinGen allele CA2579275624.